The following is an entry in ClinVar:

NM_000051.4(ATM):c.4195A>T (p.Thr1399Ser)

Gene: ATM (ATM serine/threonine kinase; plus strand). Cytogenetic location: 11q22.3.
Variant type: single nucleotide variant.
Coding change: c.4195A>T on transcript NM_000051.4 (MANE Select); coding-DNA position 4195, A replaced by T.
Protein change: p.Thr1399Ser; replaces threonine 1399 with serine.
Molecular consequence: missense variant.
Genome position (GRCh38, 1-based): chr11:108,289,062, A>T. VCF-style: chr11-108289062-A-T. GRCh37 (hg19) VCF-style: chr11-108159789-A-T.
Other names: c.4195A>T, p.Thr1399Ser (NM_001351834.2); short protein forms T1399S.
Identifiers: ClinVar variation 453508 (VCV000453508.6), dbSNP rs1555096955, ClinGen allele CA382530327.
Genomic context (GRCh38, chr11:108,289,062, plus strand): 5'-CCTCATTTTCCATCGCATGTGATTAAAGCAACATTTGCCTATATCAGCAATTGTCATAAA[A>T]CCAAGTTAAAAAGCATTTTAGAAATTCTTTCCAAAAGCCCTGTAAGTATACATGATGAGT-3'
Protein context (NP_000042.3, residues 1389-1409): TFAYISNCHK[Thr1399Ser]KLKSILEILS

ClinVar aggregate classification (germline): Uncertain significance (1 of 4 stars; one submission).

Conditions:
Ataxia-telangiectasia syndrome (AT). Also called: Cerebello-oculocutaneous telangiectasia; Immunodeficiency with ataxia telangiectasia; Ataxia-telangiectasia, complementation group D; AT, COMPLEMENTATION GROUP C; Ataxia-telangiectasia, complementation group E; LOUIS-BAR SYNDROME. Identifiers: Orphanet 100, MedGen C0004135, MONDO:0008840, OMIM 208900.

Submission:

Labcorp Genetics (formerly Invitae), Labcorp
Classification: Uncertain significance for Ataxia-telangiectasia syndrome. Last evaluated: 2021-08-27. Review status: criteria provided, single submitter. Criteria: Invitae Variant Classification Sherloc (09022015). Collection method: clinical testing. Allele origin: germline.
Comment: This sequence change replaces threonine with serine at codon 1399 of the ATM protein (p.Thr1399Ser). The threonine residue is weakly conserved and there is a small physicochemical difference between threonine and serine. This variant is not present in population databases (ExAC no frequency). This variant has not been reported in the literature in individuals affected with ATM-related conditions. Algorithms developed to predict the effect of missense changes on protein structure and function (SIFT, PolyPhen-2, Align-GVGD) all suggest that this variant is likely to be tolerated. In summary, the available evidence is currently insufficient to determine the role of this variant in disease. Therefore, it has been classified as a Variant of Uncertain Significance.